The following is an entry in ClinVar:

ClinVar aggregate classification (germline): Likely benign. Review status: criteria provided, multiple submitters, no conflicts (2 of 4 stars). 3 submissions from 3 submitters: Likely benign (2). 1 of the submissions does not count toward it. Last evaluated 2023-12-16.

Conditions:
PHIP-related disorder. Also called: PHIP-related disorders; PHIP-related condition.

Allele frequency attached by ClinVar (database versions not stated): gnomAD exomes below 0.00001; ExAC 0.00002.
gnomAD v4.1: 5 of 1,593,938 alleles (0.00031%); highest among the groups gnomAD compares: African/African-American, 0.0027%; no homozygotes.

Submissions (3):

Labcorp Genetics (formerly Invitae), Labcorp
Classification: Likely benign. Last evaluated: 2023-12-16. Review status: criteria provided, single submitter. Criteria: Invitae Variant Classification Sherloc (09022015). Collection method: clinical testing. Allele origin: germline.

Genetic Services Laboratory, University of Chicago
Classification: Likely benign. Last evaluated: 2021-03-08. Review status: criteria provided, single submitter. Criteria: ACMG Guidelines, 2015. Collection method: clinical testing. Allele origin: germline. Affected: no.

PreventionGenetics, part of Exact Sciences
Classification: Likely benign for PHIP-related condition. Last evaluated: 2022-01-24. Review status: no assertion criteria provided. Collection method: clinical testing. Allele origin: germline. Not counted in ClinVar's aggregate classification.
Comment: This variant is classified as likely benign based on ACMG/AMP sequence variant interpretation guidelines (Richards et al. 2015 PMID: 25741868, with internal and published modifications).

NM_017934.7(PHIP):c.51C>T (p.Phe17=)

Gene: PHIP (PHIP subunit of CUL4-Ring ligase complex; minus strand). Cytogenetic location: 6q14.1.
Variant type: single nucleotide variant.
Coding change: c.51C>T on transcript NM_017934.7 (MANE Select); coding-DNA position 51, C replaced by T.
Protein change: p.Phe17=; no amino-acid change (phenylalanine 17 retained).
Molecular consequence: synonymous variant.
Genome position (GRCh38, 1-based): chr6:79,077,903, G>A on the plus strand (C>T on the coding strand, the complement: PHIP is on the minus strand). VCF-style: chr6-79077903-G-A. GRCh37 (hg19) VCF-style: chr6-79787620-G-A.
Identifiers: ClinVar variation 1337854 (VCV001337854.8), dbSNP rs778180694, ClinGen allele CA3900463.
Genomic context (GRCh38, chr6:79,077,903, plus strand): 5'-GCGCCGCCGTACCTGAGCCGCCTGCTGACAGGGTCCATCTTCCAGGAACCGGGCGATGAG[G>A]AAGTAGAGCTCTGCGCGGGAGAGAGGGACGGGGAGACACACAGGCTGAGCGGTCGGGCGG-3'
Protein context (NP_060404.4, residues 7-27): GLSELRSELY[Phe17=]LIARFLEDGP